The following is an entry in ClinVar:

ClinVar aggregate classification (germline): Uncertain significance (1 of 4 stars; one submission).

gnomAD v4.1: 3 of 1,609,802 alleles (0.00019%); highest among the groups gnomAD compares: Non-Finnish European, 0.00017%; no homozygotes.

Submission:

Women's Health and Genetics/Laboratory Corporation of America, LabCorp
Classification: Uncertain significance. Last evaluated: 2025-06-10. Review status: criteria provided, single submitter. Criteria: LabCorp Variant Classification Summary - May 2015. Collection method: clinical testing. Allele origin: germline.
Comment: Variant summary: POU1F1 c.428G>T (p.Arg143Leu) results in a non-conservative amino acid change in the encoded protein sequence. Algorithms developed to predict the effect of missense changes on protein structure and function all suggest that this variant is likely to be disruptive. The variant allele was found at a frequency of 4e-06 in 250860 control chromosomes. The available data on variant occurrences in the general population are insufficient to allow any conclusion about variant significance. c.428G>T has been observed in one individual affected with Combined Pituitary Hormone Deficiency (McLennan_2003). These data do not allow any conclusion about variant significance. A different variant affecting the same codon has been classified as pathogenic by our lab (c.428G>A, p.Arg143Gln), supporting the critical relevance of codon 143 to POU1F1 protein function. To our knowledge, no experimental evidence demonstrating an impact on protein function has been reported. The following publication has been ascertained in the context of this evaluation (PMID: 12780757). No submitters have cited clinical-significance assessments for this variant to ClinVar. Based on the evidence outlined above, the variant was classified as VUS-possibly pathogenic.

Literature cited by the submitters: PubMed 12780757.

NM_000306.4(POU1F1):c.428G>T (p.Arg143Leu)

Gene: POU1F1 (POU class 1 homeobox 1; minus strand). Cytogenetic location: 3p11.2.
Variant type: single nucleotide variant.
Coding change: c.428G>T on transcript NM_000306.4 (MANE Select); coding-DNA position 428, G replaced by T.
Protein change: p.Arg143Leu; replaces arginine 143 with leucine.
Molecular consequence: missense variant.
Genome position (GRCh38, 1-based): chr3:87,264,299, C>A on the plus strand (G>T on the coding strand, the complement: POU1F1 is on the minus strand). VCF-style: chr3-87264299-C-A. GRCh37 (hg19) VCF-style: chr3-87313449-C-A.
Other names: c.506G>T, p.Arg169Leu (NM_001122757.3); short protein forms R143L, R169L.
Identifiers: ClinVar variation 3907226 (VCV003907226.1).